The following is an entry in ClinVar:

NM_000384.3(APOB):c.694-21C>T

Gene: APOB (apolipoprotein B; minus strand). Cytogenetic location: 2p24.1.
Variant type: single nucleotide variant.
Coding change: c.694-21C>T on transcript NM_000384.3 (MANE Select); 21 bases into the intron before coding-DNA position 694, C replaced by T.
Molecular consequence: intron variant.
Genome position (GRCh38, 1-based): chr2:21,035,729, G>A on the plus strand (C>T on the coding strand, the complement: APOB is on the minus strand). VCF-style: chr2-21035729-G-A. GRCh37 (hg19) VCF-style: chr2-21258601-G-A.
Identifiers: ClinVar variation 4980546 (VCV004980546.1).

ClinVar aggregate classification (germline): Likely benign (1 of 4 stars; one submission).

Conditions:
APOB-related disorder. Also called: APOB-related condition; APOB-related disorders.

Submission:

PreventionGenetics, part of Exact Sciences
Classification: Likely benign for APOB-related condition. Last evaluated: 2025-06-19. Review status: criteria provided, single submitter. Criteria: ACMG Guidelines, 2015. Collection method: clinical testing. Allele origin: germline.
Comment: This variant is classified as likely benign based on ACMG/AMP sequence variant interpretation guidelines (Richards et al. 2015 PMID: 25741868, with internal and published modifications).